The following is an entry in ClinVar:

NM_000037.4(ANK1):c.4385C>T (p.Ala1462Val)

Gene: ANK1 (ankyrin 1; minus strand). Cytogenetic location: 8p11.21.
Variant type: single nucleotide variant.
Coding change: c.4385C>T on transcript NM_000037.4 (MANE Select); coding-DNA position 4385, C replaced by T.
Protein change: p.Ala1462Val; replaces alanine 1462 with valine.
Molecular consequence: missense variant.
Genome position (GRCh38, 1-based): chr8:41,686,157, G>A on the plus strand (C>T on the coding strand, the complement: ANK1 is on the minus strand). VCF-style: chr8-41686157-G-A. GRCh37 (hg19) VCF-style: chr8-41543675-G-A.
Other names: p.Ala1462Val; c.4508C>T, p.Ala1503Val (NM_001142446.2); c.4385C>T, p.Ala1462Val (NM_020475.3, NM_020476.3, NM_020477.3); short protein forms A1462V, A1503V.
Identifiers: ClinVar variation 261310 (VCV000261310.31), dbSNP rs34664882, ClinGen allele CA4727588.
Genomic context (GRCh38, chr8:41,686,157, plus strand): 5'-TAGTTTGGTGGGGAGGAGGTCCTAGGACAGGCTTCCTCAGTGGGACGGTACTGACTGTTT[G>A]CGTTTTGGCCTTCACGGATGACCCAGAGGTTCAGCAAGGCCACACTCTGCTCCAACAGGG-3'
Protein context (NP_000028.3, residues 1452-1472): NLWVIREGQN[Ala1462Val]NMENLYTALQ

ClinVar aggregate classification (germline): Benign/Likely benign. Review status: criteria provided, multiple submitters, no conflicts (2 of 4 stars). 9 submissions from 8 submitters: Benign (5); Likely benign (4). Last evaluated 2026-02-01.

Conditions:
Hereditary spherocytosis type 1. Also called: Spherocytosis type 1; ANK1-Related Spherocytosis. Identifiers: Orphanet 822, MedGen C2674218, MONDO:0008447, OMIM 182900.
Spherocytosis. Identifiers: MedGen C0553720, HP:0004444.

Allele frequency attached by ClinVar (database versions not stated): 1000 Genomes Project 0.00978; 1000 Genomes Project 30x 0.01046; gnomAD 0.02049 and 0.02105; TOPMed 0.02087; ExAC 0.02185; gnomAD exomes 0.02268 and 0.02890; ESP Exome Variant Server 0.02460.
gnomAD v4.1: 45,078 of 1,614,202 alleles (2.8%); highest among the groups gnomAD compares: Non-Finnish European, 3.2%; 736 homozygotes.

Submissions (29):

Labcorp Genetics (formerly Invitae), Labcorp
Classification: Benign. Last evaluated: 2026-02-01. Review status: criteria provided, single submitter. Criteria: Invitae Variant Classification Sherloc (09022015). Collection method: clinical testing. Allele origin: germline.

ARUP Laboratories, Molecular Genetics and Genomics, ARUP Laboratories
Classification: Benign for Hereditary spherocytosis type 1. Last evaluated: 2025-07-16. Review status: criteria provided, single submitter. Criteria: ARUP Molecular Germline Variant Investigation Process 2024. Collection method: clinical testing. Allele origin: germline.

Mayo Clinic Laboratories, Mayo Clinic
Classification: Likely benign. Last evaluated: 2025-02-19. Review status: criteria provided, single submitter. Criteria: ACMG Guidelines, 2015. Collection method: clinical testing. Allele origin: germline. Observed: 131 variant alleles.
Comment: BS1

Blueprint Genetics
Classification: Likely benign. Last evaluated: 2024-11-27. Review status: criteria provided, single submitter. Criteria: ACMG Guidelines, 2015. Collection method: clinical testing. Allele origin: germline.

Genome-Nilou Lab
Classification: Benign for Hereditary spherocytosis type 1. Last evaluated: 2021-12-05. Review status: criteria provided, single submitter. Criteria: ACMG Guidelines, 2015. Collection method: clinical testing. Allele origin: germline. Affected: no.

Illumina Laboratory Services, Illumina
Classification: Benign for Hereditary spherocytosis type 1. Last evaluated: 2018-01-12. Review status: criteria provided, single submitter. Criteria: ICSL Variant Classification Criteria 13 December 2019. Collection method: clinical testing. Allele origin: germline.
Comment: This variant was observed in the ICSL laboratory as part of a predisposition screen in an ostensibly healthy population. It had not been previously curated by ICSL or reported in the Human Gene Mutation Database (HGMD: prior to June 1st, 2018), and was therefore a candidate for classification through an automated scoring system. Utilizing variant allele frequency, disease prevalence and penetrance estimates, and inheritance mode, an automated score was calculated to assess if this variant is too frequent to cause the disease. Based on the score and internal cut-off values, a variant classified as benign is not then subjected to further curation. The score for this variant resulted in a classification of benign for this disease.

Illumina Laboratory Services, Illumina
Classification: Likely benign for Spherocytosis. Last evaluated: 2018-01-12. Review status: criteria provided, single submitter. Criteria: ICSL Variant Classification Criteria 13 December 2019. Collection method: clinical testing. Allele origin: germline.
Comment: This variant was observed in the ICSL laboratory as part of a predisposition screen in an ostensibly healthy population. It had not been previously curated by ICSL or reported in the Human Gene Mutation Database (HGMD: prior to June 1st, 2018), and was therefore a candidate for classification through an automated scoring system. Utilizing variant allele frequency, disease prevalence and penetrance estimates, and inheritance mode, an automated score was calculated to assess if this variant is too frequent to cause the disease. Based on the score and internal cut-off values, a variant classified as likely benign is not then subjected to further curation. The score for this variant resulted in a classification of likely benign for this disease.

Breakthrough Genomics
Classification: Likely benign. Review status: criteria provided, single submitter. Criteria: ACMG Guidelines, 2015. Collection method: not provided. Allele origin: germline. Inheritance: Autosomal dominant inheritance. Affected: yes.

PreventionGenetics, part of Exact Sciences
Classification: Benign. Review status: criteria provided, single submitter. Criteria: ACMG Guidelines, 2015. Collection method: clinical testing. Allele origin: germline.

Dr. Peter K. Rogan Lab, Western University
No classification provided (evidence only). Condition: Melanoma. Review status: no classification provided. Collection method: in vitro. Allele origin: not applicable. Functional consequence: retained intron. Not counted in ClinVar's aggregate classification.

Dr. Peter K. Rogan Lab, Western University
No classification provided (evidence only). Condition: Melanoma. Review status: no classification provided. Collection method: in vitro. Allele origin: not applicable. Functional consequence: retained intron. Not counted in ClinVar's aggregate classification.

Dr. Peter K. Rogan Lab, Western University
No classification provided (evidence only). Condition: Acute myeloid leukemia. Review status: no classification provided. Collection method: in vitro. Allele origin: not applicable. Functional consequence: retained intron. Not counted in ClinVar's aggregate classification.

Dr. Peter K. Rogan Lab, Western University
No classification provided (evidence only). Condition: Acute myeloid leukemia. Review status: no classification provided. Collection method: in vitro. Allele origin: not applicable. Functional consequence: retained intron. Not counted in ClinVar's aggregate classification.

Dr. Peter K. Rogan Lab, Western University
No classification provided (evidence only). Condition: Acute myeloid leukemia. Review status: no classification provided. Collection method: in vitro. Allele origin: not applicable. Functional consequence: retained intron. Not counted in ClinVar's aggregate classification.

Dr. Peter K. Rogan Lab, Western University
No classification provided (evidence only). Condition: Acute myeloid leukemia. Review status: no classification provided. Collection method: in vitro. Allele origin: not applicable. Functional consequence: retained intron. Not counted in ClinVar's aggregate classification.

Dr. Peter K. Rogan Lab, Western University
No classification provided (evidence only). Condition: Acute myeloid leukemia. Review status: no classification provided. Collection method: in vitro. Allele origin: not applicable. Functional consequence: retained intron. Not counted in ClinVar's aggregate classification.

Dr. Peter K. Rogan Lab, Western University
No classification provided (evidence only). Condition: Colorectal cancer. Review status: no classification provided. Collection method: in vitro. Allele origin: not applicable. Functional consequence: retained intron. Not counted in ClinVar's aggregate classification.

Dr. Peter K. Rogan Lab, Western University
No classification provided (evidence only). Condition: Thyroid cancer, nonmedullary, 1. Review status: no classification provided. Collection method: in vitro. Allele origin: not applicable. Functional consequence: retained intron. Not counted in ClinVar's aggregate classification.

Dr. Peter K. Rogan Lab, Western University
No classification provided (evidence only). Condition: Thyroid cancer, nonmedullary, 1. Review status: no classification provided. Collection method: in vitro. Allele origin: not applicable. Functional consequence: retained intron. Not counted in ClinVar's aggregate classification.

Dr. Peter K. Rogan Lab, Western University
No classification provided (evidence only). Condition: Sarcoma. Review status: no classification provided. Collection method: in vitro. Allele origin: not applicable. Functional consequence: retained intron. Not counted in ClinVar's aggregate classification.

Dr. Peter K. Rogan Lab, Western University
No classification provided (evidence only). Condition: Hepatocellular carcinoma. Review status: no classification provided. Collection method: in vitro. Allele origin: not applicable. Functional consequence: retained intron. Not counted in ClinVar's aggregate classification.

Dr. Peter K. Rogan Lab, Western University
No classification provided (evidence only). Condition: Nonpapillary renal cell carcinoma. Review status: no classification provided. Collection method: in vitro. Allele origin: not applicable. Functional consequence: retained intron. Not counted in ClinVar's aggregate classification.

Dr. Peter K. Rogan Lab, Western University
No classification provided (evidence only). Condition: Ovarian serous cystadenocarcinoma. Review status: no classification provided. Collection method: in vitro. Allele origin: not applicable. Functional consequence: retained intron. Not counted in ClinVar's aggregate classification.

Dr. Peter K. Rogan Lab, Western University
No classification provided (evidence only). Condition: Gastric cancer. Review status: no classification provided. Collection method: in vitro. Allele origin: not applicable. Functional consequence: retained intron. Not counted in ClinVar's aggregate classification.

Dr. Peter K. Rogan Lab, Western University
No classification provided (evidence only). Condition: Gastric cancer. Review status: no classification provided. Collection method: in vitro. Allele origin: not applicable. Functional consequence: retained intron. Not counted in ClinVar's aggregate classification.

Dr. Peter K. Rogan Lab, Western University
No classification provided (evidence only). Condition: Uterine carcinosarcoma. Review status: no classification provided. Collection method: in vitro. Allele origin: not applicable. Functional consequence: retained intron. Not counted in ClinVar's aggregate classification.

Dr. Peter K. Rogan Lab, Western University
No classification provided (evidence only). Condition: Malignant tumor of esophagus. Review status: no classification provided. Collection method: in vitro. Allele origin: not applicable. Functional consequence: retained intron. Not counted in ClinVar's aggregate classification.

Dr. Peter K. Rogan Lab, Western University
No classification provided (evidence only). Condition: Malignant tumor of esophagus. Review status: no classification provided. Collection method: in vitro. Allele origin: not applicable. Functional consequence: retained intron. Not counted in ClinVar's aggregate classification.

Dr. Peter K. Rogan Lab, Western University
No classification provided (evidence only). Condition: Familial pancreatic carcinoma. Review status: no classification provided. Collection method: in vitro. Allele origin: not applicable. Functional consequence: retained intron. Not counted in ClinVar's aggregate classification.